The following is an entry in ClinVar:

ClinVar aggregate classification (germline): Uncertain significance (1 of 4 stars; one submission).

Conditions:
Norman-Roberts syndrome (LIS2). Also called: Lissencephaly 2 (Norman-Roberts type). Identifiers: Orphanet 89844, MedGen C0796089, MONDO:0009760, OMIM 257320.
Familial temporal lobe epilepsy 7. Identifiers: Orphanet 101046, MedGen C4225327, MONDO:0014639, OMIM 616436.

gnomAD v4.1: 2 of 1,613,944 alleles (0.00012%); highest among the groups gnomAD compares: Admixed American, 0.0033%; no homozygotes.

Submission:

Labcorp Genetics (formerly Invitae), Labcorp
Classification: Uncertain significance for Familial temporal lobe epilepsy 7; Norman-Roberts syndrome. Last evaluated: 2024-07-06. Review status: criteria provided, single submitter. Criteria: Invitae Variant Classification Sherloc (09022015). Collection method: clinical testing. Allele origin: germline.
Comment: This sequence change replaces threonine, which is neutral and polar, with isoleucine, which is neutral and non-polar, at codon 2078 of the RELN protein (p.Thr2078Ile). This variant is not present in population databases (gnomAD no frequency). This variant has not been reported in the literature in individuals affected with RELN-related conditions. ClinVar contains an entry for this variant (Variation ID: 1960934). Advanced modeling of protein sequence and biophysical properties (such as structural, functional, and spatial information, amino acid conservation, physicochemical variation, residue mobility, and thermodynamic stability) performed at Invitae indicates that this missense variant is not expected to disrupt RELN protein function with a negative predictive value of 80%. In summary, the available evidence is currently insufficient to determine the role of this variant in disease. Therefore, it has been classified as a Variant of Uncertain Significance.

NM_005045.4(RELN):c.6233C>T (p.Thr2078Ile)

Gene: RELN (reelin; minus strand). Cytogenetic location: 7q22.1.
Variant type: single nucleotide variant.
Coding change: c.6233C>T on transcript NM_005045.4 (MANE Select); coding-DNA position 6233, C replaced by T.
Protein change: p.Thr2078Ile; replaces threonine 2078 with isoleucine.
Molecular consequence: missense variant.
Genome position (GRCh38, 1-based): chr7:103,551,136, G>A on the plus strand (C>T on the coding strand, the complement: RELN is on the minus strand). VCF-style: chr7-103551136-G-A. GRCh37 (hg19) VCF-style: chr7-103191583-G-A.
Other names: c.6233C>T, p.Thr2078Ile (NM_173054.3); short protein forms T2078I.
Identifiers: ClinVar variation 1960934 (VCV001960934.5), dbSNP rs778948553, ClinGen allele CA368737896.